The following is an entry in ClinVar:

NM_004370.6(COL12A1):c.4106A>G (p.Asp1369Gly)

Gene: COL12A1 (collagen type XII alpha 1 chain; minus strand). Cytogenetic location: 6q13.
Variant type: single nucleotide variant.
Coding change: c.4106A>G on transcript NM_004370.6 (MANE Select); coding-DNA position 4106, A replaced by G.
Protein change: p.Asp1369Gly; replaces aspartic acid 1369 with glycine.
Molecular consequence: missense variant.
Genome position (GRCh38, 1-based): chr6:75,151,182, T>C on the plus strand (A>G on the coding strand, the complement: COL12A1 is on the minus strand). VCF-style: chr6-75151182-T-C. GRCh37 (hg19) VCF-style: chr6-75860898-T-C.
Other names: c.4106A>G (NM_004370.5); c.614A>G, p.Asp205Gly (NM_080645.3); short protein forms D1369G, D205G.
Identifiers: ClinVar variation 1502819 (VCV001502819.10), dbSNP rs2149415249, ClinGen allele CA364747010.

ClinVar aggregate classification (germline): Uncertain significance. Review status: criteria provided, multiple submitters, no conflicts (2 of 4 stars). 2 submissions from 2 submitters: Uncertain significance (2). Last evaluated 2021-01-29.

Conditions:
Ullrich congenital muscular dystrophy 2 (UCMD2). Identifiers: Orphanet 75840, MedGen C4225314, MONDO:0014654, OMIM 616470.
Bethlem myopathy 2 (BTHLM2). Identifiers: Orphanet 536516, Orphanet 610, MedGen C4225313, MONDO:0034022, OMIM 616471.

Submissions (2):

Labcorp Genetics (formerly Invitae), Labcorp
Classification: Uncertain significance for Bethlem myopathy 2; Ullrich congenital muscular dystrophy 2. Last evaluated: 2021-01-29. Review status: criteria provided, single submitter. Criteria: Invitae Variant Classification Sherloc (09022015). Collection method: clinical testing. Allele origin: germline.
Comment: This sequence change replaces aspartic acid with glycine at codon 1369 of the COL12A1 protein (p.Asp1369Gly). The aspartic acid residue is moderately conserved and there is a moderate physicochemical difference between aspartic acid and glycine. This variant is not present in population databases (ExAC no frequency). In summary, the available evidence is currently insufficient to determine the role of this variant in disease. Therefore, it has been classified as a Variant of Uncertain Significance. Algorithms developed to predict the effect of sequence changes on RNA splicing suggest that this variant may create or strengthen a splice site, but this prediction has not been confirmed by published transcriptional studies. This variant has not been reported in the literature in individuals with COL12A1-related conditions. Algorithms developed to predict the effect of missense changes on protein structure and function are either unavailable or do not agree on the potential impact of this missense change (SIFT: "Deleterious"; PolyPhen-2: "Benign"; Align-GVGD: "Class C0").

Revvity Omics, Revvity
Classification: Uncertain significance. Last evaluated: 2020-03-09. Review status: criteria provided, single submitter. Criteria: ACMG Guidelines, 2015. Collection method: clinical testing. Allele origin: germline.